The following is an entry in ClinVar:

NM_002834.5(PTPN11):c.527A>G (p.Glu176Gly)

Gene: PTPN11 (protein tyrosine phosphatase non-receptor type 11; plus strand). Cytogenetic location: 12q24.13.
Variant type: single nucleotide variant.
Coding change: c.527A>G on transcript NM_002834.5 (MANE Select); coding-DNA position 527, A replaced by G.
Protein change: p.Glu176Gly; replaces glutamic acid 176 with glycine.
Molecular consequence: missense variant.
Genome position (GRCh38, 1-based): chr12:112,454,565, A>G. VCF-style: chr12-112454565-A-G. GRCh37 (hg19) VCF-style: chr12-112892369-A-G.
Other names: c.527A>G, p.Glu176Gly (NM_001330437.2, NM_080601.3); c.524A>G, p.Glu175Gly (NM_001374625.1); short protein forms E175G, E176G.
Identifiers: ClinVar variation 3907724 (VCV003907724.1).

ClinVar aggregate classification (germline): Uncertain significance (1 of 4 stars; one submission).

gnomAD v4.1: 1 of 1,608,576 alleles (0.000062%); highest among the groups gnomAD compares: Admixed American, 0.0017%; no homozygotes.

Submission:

GeneDx
Classification: Uncertain significance. Last evaluated: 2024-12-31. Review status: criteria provided, single submitter. Criteria: GeneDx Variant Classification Process June 2021. Collection method: clinical testing. Allele origin: germline. Affected: yes.
Comment: Missense variants in this gene are a common cause of disease and they are underrepresented in the general population; In silico analysis indicates that this missense variant does not alter protein structure/function; Has not been previously published as pathogenic or benign to our knowledge; This variant is associated with the following publications: (PMID: 29493581)